The following is an entry in ClinVar:

NM_006206.6(PDGFRA):c.1238T>A (p.Val413Asp)

Gene: PDGFRA (platelet derived growth factor receptor alpha; plus strand). Cytogenetic location: 4q12.
Variant type: single nucleotide variant.
Coding change: c.1238T>A on transcript NM_006206.6 (MANE Select); coding-DNA position 1238, T replaced by A.
Protein change: p.Val413Asp; replaces valine 413 with aspartic acid.
Molecular consequence: missense variant.
Genome position (GRCh38, 1-based): chr4:54,272,394, T>A. VCF-style: chr4-54272394-T-A. GRCh37 (hg19) VCF-style: chr4-55138561-T-A.
Other names: c.1238T>A, p.Val413Asp (NM_001347827.2, NM_001347829.2); c.1313T>A, p.Val438Asp (NM_001347828.2); c.1277T>A, p.Val426Asp (NM_001347830.2); short protein forms V413D, V426D, V438D.
Identifiers: ClinVar variation 3930232 (VCV003930232.1).

ClinVar aggregate classification (germline): Uncertain significance (1 of 4 stars; one submission).

Conditions:
Hereditary cancer-predisposing syndrome. Also called: Tumor predisposition; Hereditary neoplastic syndrome; Hereditary Cancer Syndrome; Neoplastic Syndromes, Hereditary. Identifiers: Orphanet 140162, MedGen C0027672, MeSH D009386, MONDO:0015356.

Submission:

Ambry Genetics
Classification: Uncertain significance for Hereditary cancer-predisposing syndrome. Last evaluated: 2025-06-08. Review status: criteria provided, single submitter. Criteria: Ambry Variant Classification Scheme 2023. Collection method: clinical testing. Allele origin: germline.
Comment: The p.V413D variant (also known as c.1238T>A) is located in coding exon 8 of the PDGFRA gene. The valine at codon 413 is replaced by aspartic acid, an amino acid with highly dissimilar properties. This change occurs in the first base pair of coding exon 8. This amino acid position is conserved. In addition, this alteration is predicted to be deleterious by in silico analysis. Based on the available evidence, the clinical significance of this variant remains unclear.